The following is an entry in ClinVar:

ClinVar aggregate classification (germline): Uncertain significance (0 of 4 stars; one submission).

Submission:

Richard Lifton Laboratory, Yale University School of Medicine
Classification: Uncertain significance. Review status: no assertion criteria provided. Collection method: not provided. Allele origin: somatic.
Comment: SYNJ1
ClinVar note: Converted during submission from unknown to Uncertain significance.

NM_203446.3(SYNJ1):c.3635C>A (p.Ala1212Glu)

Gene: SYNJ1 (synaptojanin 1; minus strand). Cytogenetic location: 21q22.11.
Variant type: single nucleotide variant.
Coding change: c.3635C>A on transcript NM_203446.3 (MANE Select); coding-DNA position 3635, C replaced by A.
Protein change: p.Ala1212Glu; replaces alanine 1212 with glutamic acid.
Molecular consequence: missense variant.
Genome position (GRCh38, 1-based): chr21:32,639,733, G>T on the plus strand (C>A on the coding strand, the complement: SYNJ1 is on the minus strand). VCF-style: chr21-32639733-G-T. GRCh37 (hg19) VCF-style: chr21-34012043-G-T.
Other names: c.3587C>A, p.Ala1196Glu (NM_001160302.2); c.3494C>A, p.Ala1165Glu (NM_001160306.2); c.3752C>A, p.Ala1251Glu (NM_003895.4); short protein forms A1251E, A1196E, A1165E, A1212E.
Identifiers: ClinVar variation 91955 (VCV000091955.2), dbSNP rs386352368, ClinGen allele CA232235.